The following is an entry in ClinVar:

ClinVar aggregate classification (germline): Likely pathogenic (1 of 4 stars; one submission).

Conditions:
Muscular dystrophy-dystroglycanopathy (congenital with brain and eye anomalies), type a, 8 (MDDGA8). Also called: WALKER-WARBURG SYNDROME OR MUSCLE-EYE-BRAIN DISEASE, GTDC2-RELATED. Identifiers: Orphanet 899, MedGen C3553813, MONDO:0013904, OMIM 614830.

gnomAD v4.1: 6 of 1,614,174 alleles (0.00037%); highest among the groups gnomAD compares: Non-Finnish European, 0.00051%; no homozygotes.

Submission:

Labcorp Genetics (formerly Invitae), Labcorp
Classification: Likely pathogenic for Muscular dystrophy-dystroglycanopathy (congenital with brain and eye anomalies), type a, 8. Last evaluated: 2025-10-13. Review status: criteria provided, single submitter. Criteria: Invitae Variant Classification Sherloc (09022015). Collection method: clinical testing. Allele origin: germline.
Comment: This sequence change creates a premature translational stop signal (p.Glu519*) in the POMGNT2 gene. While this is not anticipated to result in nonsense mediated decay, it is expected to disrupt the last 62 amino acid(s) of the POMGNT2 protein. This variant is present in population databases (rs747691921, gnomAD 0.0009%). This premature translational stop signal has been observed in individual(s) with clinical features of POMGNT2-related muscular dystrophy (internal data). In at least one individual the data is consistent with being in trans (on the opposite chromosome) from a pathogenic variant. ClinVar contains an entry for this variant (Variation ID: 1058894). In summary, the currently available evidence indicates that the variant is pathogenic, but additional data are needed to prove that conclusively. Therefore, this variant has been classified as Likely Pathogenic.

NM_032806.6(POMGNT2):c.1555G>T (p.Glu519Ter)

Gene: POMGNT2 (protein O-linked mannose N-acetylglucosaminyltransferase 2 (beta 1,4-); minus strand). Cytogenetic location: 3p22.1.
Variant type: single nucleotide variant.
Coding change: c.1555G>T on transcript NM_032806.6 (MANE Select); coding-DNA position 1555, G replaced by T.
Protein change: p.Glu519Ter; replaces glutamic acid 519 with a stop codon.
Molecular consequence: nonsense.
Genome position (GRCh38, 1-based): chr3:43,079,877, C>A on the plus strand (G>T on the coding strand, the complement: POMGNT2 is on the minus strand). VCF-style: chr3-43079877-C-A. GRCh37 (hg19) VCF-style: chr3-43121369-C-A.
Other names: short protein forms E519*.
Identifiers: ClinVar variation 1058894 (VCV001058894.5), dbSNP rs747691921, ClinGen allele CA2339822.